The following is an entry in ClinVar:

ClinVar aggregate classification (germline): Uncertain significance (1 of 4 stars; one submission).

gnomAD v4.1: 250 of 1,609,666 alleles (0.016%); highest among the groups gnomAD compares: Non-Finnish European, 0.02%; no homozygotes.

Submission:

Labcorp Genetics (formerly Invitae), Labcorp
Classification: Uncertain significance. Last evaluated: 2025-12-16. Review status: criteria provided, single submitter. Criteria: Invitae Variant Classification Sherloc (09022015). Collection method: clinical testing. Allele origin: germline.
Comment: This sequence change replaces alanine, which is neutral and non-polar, with valine, which is neutral and non-polar, at codon 308 of the KANK2 protein (p.Ala308Val). This variant is present in population databases (rs144259060, gnomAD 0.02%). This variant has not been reported in the literature in individuals affected with KANK2-related conditions. An algorithm developed to predict the effect of missense changes on protein structure and function outputs the following: PolyPhen-2: "Benign". The valine amino acid residue is found in multiple mammalian species, which suggests that this missense change does not adversely affect protein function. In summary, the available evidence is currently insufficient to determine the role of this variant in disease. Therefore, it has been classified as a Variant of Uncertain Significance.

NM_001136191.3(KANK2):c.923C>T (p.Ala308Val)

Gene: KANK2 (KN motif and ankyrin repeat domains 2; minus strand). Cytogenetic location: 19p13.2.
Variant type: single nucleotide variant.
Coding change: c.923C>T on transcript NM_001136191.3 (MANE Select); coding-DNA position 923, C replaced by T.
Protein change: p.Ala308Val; replaces alanine 308 with valine.
Molecular consequence: missense variant.
Genome position (GRCh38, 1-based): chr19:11,193,157, G>A on the plus strand (C>T on the coding strand, the complement: KANK2 is on the minus strand). VCF-style: chr19-11193157-G-A. GRCh37 (hg19) VCF-style: chr19-11303833-G-A.
Other names: c.923C>T, p.Ala308Val (NM_001329451.2, NM_001379548.1, NM_001379549.1 and 15 more transcripts); short protein forms A308V.
Identifiers: ClinVar variation 4810895 (VCV004810895.1).